The following is an entry in ClinVar:

NM_005996.4(TBX3):c.1593C>T (p.Thr531=)

Gene: TBX3 (T-box transcription factor 3; minus strand). Cytogenetic location: 12q24.21.
Variant type: single nucleotide variant.
Coding change: c.1593C>T on transcript NM_005996.4 (MANE Select); coding-DNA position 1593, C replaced by T.
Protein change: p.Thr531=; no amino-acid change (threonine 531 retained).
Molecular consequence: synonymous variant.
Genome position (GRCh38, 1-based): chr12:114,674,282, G>A on the plus strand (C>T on the coding strand, the complement: TBX3 is on the minus strand). VCF-style: chr12-114674282-G-A. GRCh37 (hg19) VCF-style: chr12-115112087-G-A.
Other names: c.1653C>T, p.Thr551= (NM_016569.4).
Identifiers: ClinVar variation 3353996 (VCV003353996.1).

ClinVar aggregate classification (germline): Likely benign (0 of 4 stars; one submission).

Conditions:
TBX3-related disorder. Also called: TBX3-related condition.

gnomAD v4.1: 15 of 1,581,384 alleles (0.00095%); highest among the groups gnomAD compares: Admixed American, 0.0018%; no homozygotes.

Submission:

PreventionGenetics, part of Exact Sciences
Classification: Likely benign for TBX3-related condition. Last evaluated: 2024-07-01. Review status: no assertion criteria provided. Collection method: clinical testing. Allele origin: germline.
Comment: This variant is classified as likely benign based on ACMG/AMP sequence variant interpretation guidelines (Richards et al. 2015 PMID: 25741868, with internal and published modifications).